The following is an entry in ClinVar:

NM_001277115.2(DNAH11):c.1426-12T>A

Gene: DNAH11 (dynein axonemal heavy chain 11; plus strand). Cytogenetic location: 7p15.3.
Variant type: single nucleotide variant.
Coding change: c.1426-12T>A on transcript NM_001277115.2 (MANE Select); 12 bases into the intron before coding-DNA position 1426, T replaced by A.
Molecular consequence: intron variant.
Genome position (GRCh38, 1-based): chr7:21,571,794, T>A. VCF-style: chr7-21571794-T-A. GRCh37 (hg19) VCF-style: chr7-21611412-T-A.
Identifiers: ClinVar variation 4797093 (VCV004797093.1).
Genomic context (GRCh38, chr7:21,571,794, plus strand): 5'-TCTTGATTTGAAACTTTAAAATATTTTGCTGCTCAATGTAGTGGAAAGGTCTTTACTGTG[T>A]TTTTTACAAAGGATATATTTGCCACCACTTTGGAATTTGAAAAGCTGGAAAGACTGGAAT-3'

ClinVar aggregate classification (germline): Uncertain significance (1 of 4 stars; one submission).

Conditions:
Primary ciliary dyskinesia. Also called: Ciliary dyskinesia. Identifiers: Orphanet 244, MedGen C0008780, MONDO:0016575, HP:0012265.

gnomAD v4.1: 1 of 1,599,888 alleles (0.000063%); highest among the groups gnomAD compares: Non-Finnish European, 0.000085%; no homozygotes.

Submission:

Labcorp Genetics (formerly Invitae), Labcorp
Classification: Uncertain significance for Primary ciliary dyskinesia. Last evaluated: 2026-01-22. Review status: criteria provided, single submitter. Criteria: Invitae Variant Classification Sherloc (09022015). Collection method: clinical testing. Allele origin: germline.
Comment: This sequence change falls in intron 7 of the DNAH11 gene. It does not directly change the encoded amino acid sequence of the DNAH11 protein. This variant is not present in population databases (gnomAD no frequency). This variant has not been reported in the literature in individuals affected with DNAH11-related conditions. Algorithms developed to predict the effect of sequence changes on RNA splicing suggest that this variant may disrupt the consensus splice site. In summary, the available evidence is currently insufficient to determine the role of this variant in disease. Therefore, it has been classified as a Variant of Uncertain Significance.